The following is an entry in ClinVar:

ClinVar aggregate classification (germline): Uncertain significance (1 of 4 stars; one submission).

Conditions:
TRIM32-related disorder. Also called: TRIM32-related condition.

Submission:

PreventionGenetics, part of Exact Sciences
Classification: Uncertain significance for TRIM32-related condition. Last evaluated: 2025-03-05. Review status: criteria provided, single submitter. Criteria: ACMG Guidelines, 2015. Collection method: clinical testing. Allele origin: germline.
Comment: The TRIM32 c.622G>A variant is predicted to result in the amino acid substitution p.Gly208Ser. To our knowledge, this variant has not been reported in the literature or in a large population database (gnomAD), indicating this variant is rare. At this time, the clinical significance of this variant is uncertain due to the absence of conclusive functional and genetic evidence.

NM_012210.4(TRIM32):c.622G>A (p.Gly208Ser)

Genes: ASTN2 (astrotactin 2; minus strand), TRIM32 (tripartite motif containing 32; plus strand). Cytogenetic location: 9q33.1.
Variant type: single nucleotide variant.
Coding change: c.622G>A on transcript NM_012210.4 (MANE Select); coding-DNA position 622, G replaced by A.
Protein change: p.Gly208Ser; replaces glycine 208 with serine.
Molecular consequence: missense variant. On other transcripts: intron variant (3).
Genome position (GRCh38, 1-based): chr9:116,698,364, G>A. VCF-style: chr9-116698364-G-A. GRCh37 (hg19) VCF-style: chr9-119460643-G-A.
Other names: c.622G>A, p.Gly208Ser (NM_001099679.2, NM_001379048.1, NM_001379049.1 and 1 more transcripts); c.2653+27407C>T (NM_014010.5); c.2794+27407C>T (NM_001365069.1); c.2806+27407C>T (NM_001365068.1); short protein forms G208S.
Identifiers: ClinVar variation 4986747 (VCV004986747.1).